The following is an entry in ClinVar:

NM_003072.5(SMARCA4):c.1665G>T (p.Gln555His)

Gene: SMARCA4 (SWI/SNF related BAF chromatin remodeling complex subunit ATPase 4; plus strand). Cytogenetic location: 19p13.2.
Variant type: single nucleotide variant.
Coding change: c.1665G>T on transcript NM_003072.5 (MANE Select); coding-DNA position 1665, G replaced by T.
Protein change: p.Gln555His; replaces glutamine 555 with histidine.
Molecular consequence: missense variant. On other transcripts: non-coding transcript variant (1).
Genome position (GRCh38, 1-based): chr19:10,996,284, G>T. VCF-style: chr19-10996284-G-T. GRCh37 (hg19) VCF-style: chr19-11106960-G-T.
Other names: c.1665G>T, p.Gln555His (NM_001411150.1, NM_001128844.3, NM_001128845.2 and 6 more transcripts); short protein forms Q555H.
Identifiers: ClinVar variation 2767553 (VCV002767553.3), dbSNP rs1600082113, ClinGen allele CA404064373.

ClinVar aggregate classification (germline): Uncertain significance (1 of 4 stars; one submission).

Conditions:
Rhabdoid tumor predisposition syndrome 2 (RTPS2). Identifiers: Orphanet 231108, Orphanet 69077, MedGen C2750074, MONDO:0013224, OMIM 613325.

Submission:

Labcorp Genetics (formerly Invitae), Labcorp
Classification: Uncertain significance for Rhabdoid tumor predisposition syndrome 2. Last evaluated: 2023-10-11. Review status: criteria provided, single submitter. Criteria: Invitae Variant Classification Sherloc (09022015). Collection method: clinical testing. Allele origin: germline.
Comment: This sequence change replaces glutamine, which is neutral and polar, with histidine, which is basic and polar, at codon 555 of the SMARCA4 protein (p.Gln555His). This variant is not present in population databases (gnomAD no frequency). This variant has not been reported in the literature in individuals affected with SMARCA4-related conditions. Advanced modeling of protein sequence and biophysical properties (such as structural, functional, and spatial information, amino acid conservation, physicochemical variation, residue mobility, and thermodynamic stability) performed at Invitae indicates that this missense variant is not expected to disrupt SMARCA4 protein function. In summary, the available evidence is currently insufficient to determine the role of this variant in disease. Therefore, it has been classified as a Variant of Uncertain Significance.